The following is an entry in ClinVar:

ClinVar aggregate classification (germline): Uncertain significance (1 of 4 stars; one submission).

Conditions:
Cardiovascular phenotype. Identifiers: MedGen CN230736.

gnomAD v4.1: 2 of 1,600,890 alleles (0.00012%); highest among the groups gnomAD compares: Non-Finnish European, 0.00017%; no homozygotes.

Submission:

Ambry Genetics
Classification: Uncertain significance for Cardiovascular phenotype. Last evaluated: 2026-07-07. Review status: criteria provided, single submitter. Criteria: Ambry Variant Classification Scheme 2023. Collection method: clinical testing. Allele origin: germline.
Comment: The p.A3649V variant (also known as c.10946C>T), located in coding exon 78 of the RYR2 gene, results from a C to T substitution at nucleotide position 10946. The alanine at codon 3649 is replaced by valine, an amino acid with similar properties. This amino acid position is conserved. In addition, this alteration is predicted to be tolerated by in silico analysis. Based on the available evidence, the clinical significance of this variant remains unclear.

NM_001035.3(RYR2):c.10946C>T (p.Ala3649Val)

Gene: RYR2 (ryanodine receptor 2; plus strand). Cytogenetic location: 1q43.
Variant type: single nucleotide variant.
Coding change: c.10946C>T on transcript NM_001035.3 (MANE Select); coding-DNA position 10946, C replaced by T.
Protein change: p.Ala3649Val; replaces alanine 3649 with valine.
Molecular consequence: missense variant.
Genome position (GRCh38, 1-based): chr1:237,732,056, C>T. VCF-style: chr1-237732056-C-T. GRCh37 (hg19) VCF-style: chr1-237895356-C-T.
Other names: short protein forms A3649V.
Identifiers: ClinVar variation 5028680 (VCV005028680.1).